The following is an entry in ClinVar:

ClinVar aggregate classification (germline): Uncertain significance (1 of 4 stars; one submission).

Conditions:
Progressive familial heart block type IB (PFHB1B). Identifiers: Orphanet 871, MedGen C1970298, MONDO:0011474, OMIM 604559.

Submission:

Labcorp Genetics (formerly Invitae), Labcorp
Classification: Uncertain significance for Progressive familial heart block type IB. Last evaluated: 2026-02-01. Review status: criteria provided, single submitter. Criteria: Invitae Variant Classification Sherloc (09022015). Collection method: clinical testing. Allele origin: germline.
Comment: This sequence change creates a premature translational stop signal (p.Val1155Trpfs*5) in the TRPM4 gene. It is expected to result in an absent or disrupted protein product. However, the current clinical and genetic evidence is not sufficient to establish whether loss-of-function variants in TRPM4 cause disease. This variant is present in population databases (rs771779908, gnomAD 0.03%). This variant has not been reported in the literature in individuals affected with TRPM4-related conditions. ClinVar contains an entry for this variant (Variation ID: 645961). Algorithms developed to predict the effect of sequence changes on RNA splicing suggest that this variant may disrupt the consensus splice site. In summary, the available evidence is currently insufficient to determine the role of this variant in disease. Therefore, it has been classified as a Variant of Uncertain Significance.

NC_000019.10:g.49211016del

Gene: TRPM4 (transient receptor potential cation channel subfamily M member 4; plus strand). Cytogenetic location: 19q13.33.
Variant type: Deletion.
Genome position: GRCh38 VCF-style: chr19-49211013-AG-A. GRCh37 (hg19) VCF-style: chr19-49714270-AG-A.
Identifiers: ClinVar variation 645961 (VCV000645961.46), dbSNP rs771779908, ClinGen allele CA9569933.
Genomic context (GRCh38, chr19:49,211,013, plus strand): 5'-AGGCAGAGCCCTGGGGGTGGGTGGGCTGCGGGTGCCCCCGGTAAGAGGCCCTCCCTTCTC[AG>A]GGTGGACTTGGCACTGAAACAGCTGGGACACATCCGCGAGTACGAACAGCGCCTGAAAGT-3'